The following is an entry in ClinVar:

NM_001290043.2(TAP2):c.606C>T (p.Gly202=)

Genes: TAP2 (transporter 2, ATP binding cassette subfamily B member; minus strand), LOC107648851 (meiotic recombination hotspot TAP2; plus strand). Cytogenetic location: 6p21.32.
Variant type: single nucleotide variant.
Coding change: c.606C>T on transcript NM_001290043.2 (MANE Select); coding-DNA position 606, C replaced by T.
Protein change: p.Gly202=; no amino-acid change (glycine 202 retained).
Molecular consequence: synonymous variant.
Genome position (GRCh38, 1-based): chr6:32,837,539, G>A on the plus strand (C>T on the coding strand, the complement: TAP2 is on the minus strand). VCF-style: chr6-32837539-G-A. GRCh37 (hg19) VCF-style: chr6-32805316-G-A.
Other names: c.606C>T, p.Gly202= (NM_000544.3, NM_018833.3).
Identifiers: ClinVar variation 1463648 (VCV001463648.8), dbSNP rs2127366882, ClinGen allele CA449751791.
Genomic context (GRCh38, chr6:32,837,539, plus strand): 5'-GTGAAGACCCCTATAAAGATTTGGGGCTAGCAAATGGACCCAGCTGCCCACCACCTACCT[G>A]CCAAAGGAGAAGAGGCACATGAAGAAGATGGCACTGGCAAAGGCATGGGGGTCAAAATCA-3'
Protein context (NP_001276972.1, residues 192-212): AIFFMCLFSF[Gly202=]SSLSAGCRGG

ClinVar aggregate classification (germline): Uncertain significance (1 of 4 stars; one submission).

Conditions:
MHC class I deficiency. Identifiers: Orphanet 34592, MedGen C6024714, MONDO:0011476.

Submission:

Labcorp Genetics (formerly Invitae), Labcorp
Classification: Uncertain significance for MHC class I deficiency 1. Last evaluated: 2022-09-12. Review status: criteria provided, single submitter. Criteria: Invitae Variant Classification Sherloc (09022015). Collection method: clinical testing. Allele origin: germline.
Comment: ClinVar contains an entry for this variant (Variation ID: 1463648). In summary, the available evidence is currently insufficient to determine the role of this variant in disease. Therefore, it has been classified as a Variant of Uncertain Significance. Algorithms developed to predict the effect of sequence changes on RNA splicing suggest that this variant may create or strengthen a splice site. This variant has not been reported in the literature in individuals affected with TAP2-related conditions. This variant is not present in population databases (gnomAD no frequency). This sequence change affects codon 202 of the TAP2 mRNA. It is a 'silent' change, meaning that it does not change the encoded amino acid sequence of the TAP2 protein.